The following is an entry in ClinVar:

NM_006947.4(SRP72):c.1413A>T (p.Gln471His)

Gene: SRP72 (signal recognition particle 72; plus strand). Cytogenetic location: 4q12.
Variant type: single nucleotide variant.
Coding change: c.1413A>T on transcript NM_006947.4 (MANE Select); coding-DNA position 1413, A replaced by T.
Protein change: p.Gln471His; replaces glutamine 471 with histidine.
Molecular consequence: missense variant. On other transcripts: non-coding transcript variant (1).
Genome position (GRCh38, 1-based): chr4:56,490,425, A>T. VCF-style: chr4-56490425-A-T. GRCh37 (hg19) VCF-style: chr4-57356591-A-T.
Other names: c.1230A>T, p.Gln410His (NM_001267722.2); short protein forms Q410H, Q471H.
Identifiers: ClinVar variation 5030268 (VCV005030268.1).
Genomic context (GRCh38, chr4:56,490,425, plus strand): 5'-AGAAGCTGCAAACTTCAAACTCAAATATGGGCGGAAGAAGGAGGCAATTAGTGACCTACA[A>T]CAGCTGTGGAAGTAAGCTCTGAAACGTGGAGTTGTAGAAATAACACATTTATTGTTGCTA-3'
Protein context (NP_008878.3, residues 461-481): GRKKEAISDL[Gln471His]QLWKQNPKDI

ClinVar aggregate classification (germline): Uncertain significance (1 of 4 stars; one submission).

Submission:

Ambry Genetics
Classification: Uncertain significance. Last evaluated: 2026-09-06. Review status: criteria provided, single submitter. Criteria: Ambry Variant Classification Scheme 2023. Collection method: clinical testing. Allele origin: germline.
Comment: The p.Q471H variant (also known as c.1413A>T), located in coding exon 14 of the SRP72 gene, results from an A to T substitution at nucleotide position 1413. The glutamine at codon 471 is replaced by histidine, an amino acid with highly similar properties. This amino acid position is conserved. In addition, this alteration is predicted to be tolerated by in silico analysis. Based on the available evidence, the clinical significance of this variant remains unclear.